The following is an entry in ClinVar:

NM_006662.3(SRCAP):c.6118T>G (p.Tyr2040Asp)

Gene: SRCAP (Snf2 related CREBBP activator protein; plus strand). Cytogenetic location: 16p11.2.
Variant type: single nucleotide variant.
Coding change: c.6118T>G on transcript NM_006662.3 (MANE Select); coding-DNA position 6118, T replaced by G.
Protein change: p.Tyr2040Asp; replaces tyrosine 2040 with aspartic acid.
Molecular consequence: missense variant.
Genome position (GRCh38, 1-based): chr16:30,729,563, T>G. VCF-style: chr16-30729563-T-G. GRCh37 (hg19) VCF-style: chr16-30740884-T-G.
Other names: short protein forms Y2040D.
Identifiers: ClinVar variation 1693065 (VCV001693065.3), dbSNP rs2151296617, ClinGen allele CA395622613.
Genomic context (GRCh38, chr16:30,729,563, plus strand): 5'-CCTTTGCACCGTATTGTGTGTAACATGCGCACCCAGTTCCCTGACTTAAGACTCATCCAG[T>G]ATGATTGCGGTGAGTTTGTTGGCCAGTGTAGGACCCTTGACTTCTCTTCTTTTCTTAGTA-3'
Protein context (NP_006653.2, residues 2030-2050): TQFPDLRLIQ[Tyr2040Asp]DCGKLQTLAV

ClinVar aggregate classification (germline): Uncertain significance (1 of 4 stars; one submission).

Submission:

GeneDx
Classification: Uncertain significance. Last evaluated: 2022-09-06. Review status: criteria provided, single submitter. Criteria: GeneDx Variant Classification Process June 2021. Collection method: clinical testing. Allele origin: germline. Affected: yes.
Comment: Not observed at significant frequency in large population cohorts (gnomAD); In silico analysis supports that this missense variant has a deleterious effect on protein structure/function; Has not been previously published as pathogenic or benign to our knowledge